The following is an entry in ClinVar:

NM_001082486.2(ACD):c.933C>A (p.Ser311Arg)

Gene: ACD (ACD shelterin complex subunit and telomerase recruitment factor; minus strand). Cytogenetic location: 16q22.1.
Variant type: single nucleotide variant.
Coding change: c.933C>A on transcript NM_001082486.2 (MANE Select); coding-DNA position 933, C replaced by A.
Protein change: p.Ser311Arg; replaces serine 311 with arginine.
Molecular consequence: missense variant.
Genome position (GRCh38, 1-based): chr16:67,658,259, G>T on the plus strand (C>A on the coding strand, the complement: ACD is on the minus strand). VCF-style: chr16-67658259-G-T. GRCh37 (hg19) VCF-style: chr16-67692162-G-T.
Other names: c.846C>A, p.Ser282Arg (NM_001410884.1); c.924C>A, p.Ser308Arg (NM_022914.3); short protein forms S282R, S308R, S311R.
Identifiers: ClinVar variation 3232633 (VCV003232633.1), dbSNP rs2543599388, ClinGen allele CA396352746.

ClinVar aggregate classification (germline): Uncertain significance (1 of 4 stars; one submission).

Conditions:
Inborn genetic diseases. Identifiers: MedGen C0950123, MeSH D030342.

Allele frequency attached by ClinVar (database versions not stated): gnomAD exomes below 0.00001.
gnomAD v4.1: 1 of 1,613,624 alleles (0.000062%); highest among the groups gnomAD compares: Non-Finnish European, 0.000085%; no homozygotes.

Submission:

Ambry Genetics
Classification: Uncertain significance for Inborn genetic diseases. Last evaluated: 2024-01-21. Review status: criteria provided, single submitter. Criteria: Ambry Variant Classification Scheme 2023. Collection method: clinical testing. Allele origin: germline.
Comment: The p.S397R variant (also known as c.1191C>A), located in coding exon 10 of the ACD gene, results from a C to A substitution at nucleotide position 1191. The serine at codon 397 is replaced by arginine, an amino acid with dissimilar properties. This amino acid position is conserved. In addition, this alteration is predicted to be tolerated by in silico analysis. Based on the available evidence, the clinical significance of this alteration remains unclear.